The following is an entry in ClinVar:

ClinVar aggregate classification (germline): Uncertain significance (1 of 4 stars; one submission).

Conditions:
Imerslund-Grasbeck syndrome. Also called: Imerslund-Gräsbeck syndrome; Megaloblastic anemia due to inborn errors of metabolism; PERNICIOUS ANEMIA, JUVENILE, DUE TO SELECTIVE INTESTINAL MALABSORPTION OF VITAMIN B12, WITH PROTEINURIA; ENTEROCYTE COBALAMIN MALABSORPTION; ENTEROCYTE INTRINSIC FACTOR RECEPTOR, DEFECT OF. Identifiers: Orphanet 35858, MedGen C4551825, MONDO:0009853.

Allele frequency attached by ClinVar (database versions not stated): ExAC 0.00001.

Submission:

Labcorp Genetics (formerly Invitae), Labcorp
Classification: Uncertain significance for Imerslund-Grasbeck syndrome. Last evaluated: 2022-11-15. Review status: criteria provided, single submitter. Criteria: Invitae Variant Classification Sherloc (09022015). Collection method: clinical testing. Allele origin: germline.
Comment: This variant has not been reported in the literature in individuals affected with CUBN-related conditions. This variant is present in population databases (rs759619108, gnomAD 0.003%). This sequence change replaces isoleucine, which is neutral and non-polar, with asparagine, which is neutral and polar, at codon 2161 of the CUBN protein (p.Ile2161Asn). Advanced modeling of protein sequence and biophysical properties (such as structural, functional, and spatial information, amino acid conservation, physicochemical variation, residue mobility, and thermodynamic stability) performed at Invitae indicates that this missense variant is not expected to disrupt CUBN protein function. In summary, the available evidence is currently insufficient to determine the role of this variant in disease. Therefore, it has been classified as a Variant of Uncertain Significance.

NM_001081.4(CUBN):c.6482T>A (p.Ile2161Asn)

Gene: CUBN (cubilin; minus strand). Cytogenetic location: 10p13.
Variant type: single nucleotide variant.
Coding change: c.6482T>A on transcript NM_001081.4 (MANE Select); coding-DNA position 6482, T replaced by A.
Protein change: p.Ile2161Asn; replaces isoleucine 2161 with asparagine.
Molecular consequence: missense variant.
Genome position (GRCh38, 1-based): chr10:16,925,405, A>T on the plus strand (T>A on the coding strand, the complement: CUBN is on the minus strand). VCF-style: chr10-16925405-A-T. GRCh37 (hg19) VCF-style: chr10-16967404-A-T.
Other names: short protein forms I2161N.
Identifiers: ClinVar variation 2166756 (VCV002166756.4), dbSNP rs759619108, ClinGen allele CA5423655.
Genomic context (GRCh38, chr10:16,925,405, plus strand): 5'-GAAGCATGACTGCCACAAAAATGACCATTTCCTCCAGGGGGTCCCAAGGGTGGAGAACAG[A>T]TATCAGGACCATTTCTTAGCTGGAAAGACAAATTAAAATTTCATCAACTCCTTTACATTG-3'
Protein context (NP_001072.2, residues 2151-2171): DYLVLRNGPD[Ile2161Asn]CSPPLGPPGG